The following is an entry in ClinVar:

ClinVar aggregate classification (germline): Uncertain significance (1 of 4 stars; one submission).

gnomAD v4.1: 25 of 1,613,216 alleles (0.0015%); highest among the groups gnomAD compares: South Asian, 0.0022%; no homozygotes.

Submission:

Labcorp Genetics (formerly Invitae), Labcorp
Classification: Uncertain significance. Last evaluated: 2025-12-08. Review status: criteria provided, single submitter. Criteria: Invitae Variant Classification Sherloc (09022015). Collection method: clinical testing. Allele origin: germline.
Comment: This sequence change affects codon 54 of the EIF2B2 mRNA. It is a 'silent' change, meaning that it does not change the encoded amino acid sequence of the EIF2B2 protein. It affects a nucleotide within the consensus splice site. This variant is present in population databases (rs761260701, gnomAD 0.003%). This variant has not been reported in the literature in individuals affected with EIF2B2-related conditions. ClinVar contains an entry for this variant (Variation ID: 3619982). Algorithms developed to predict the effect of sequence changes on RNA splicing suggest that this variant is not likely to affect RNA splicing. In summary, the available evidence is currently insufficient to determine the role of this variant in disease. Therefore, it has been classified as a Variant of Uncertain Significance.

NM_014239.4(EIF2B2):c.162G>C (p.Ala54=)

Gene: EIF2B2 (eukaryotic translation initiation factor 2B subunit beta; plus strand). Cytogenetic location: 14q24.3.
Variant type: single nucleotide variant.
Coding change: c.162G>C on transcript NM_014239.4 (MANE Select); coding-DNA position 162, G replaced by C.
Protein change: p.Ala54=; no amino-acid change (alanine 54 retained).
Molecular consequence: synonymous variant.
Genome position (GRCh38, 1-based): chr14:75,003,152, G>C. VCF-style: chr14-75003152-G-C. GRCh37 (hg19) VCF-style: chr14-75469855-G-C.
Identifiers: ClinVar variation 3619982 (VCV003619982.2).
Genomic context (GRCh38, chr14:75,003,152, plus strand): 5'-GGCTCGGGAGACCCTAGGGTTGCTGCGCCAGATCATCACGGACCACCGCTGGAGCAACGC[G>C]GGTGAGGCCGGCCTGCCTCCGCCGGCGAACCTGGCCCCTGTCTGTTCCCGATCCCAGGGC-3'
Protein context (NP_055054.1, residues 44-64): QIITDHRWSN[Ala54=]GELMELIRRE